The following is an entry in ClinVar:

ClinVar aggregate classification (germline): Likely benign. Review status: criteria provided, multiple submitters, no conflicts (2 of 4 stars). 4 submissions from 4 submitters: Likely benign (3). 1 of the submissions does not count toward it. Last evaluated 2026-09-01.

Conditions:
KDM3B-related disorder. Also called: KDM3B-related condition.

Allele frequency attached by ClinVar (database versions not stated): 1000 Genomes Project 30x 0.00078; 1000 Genomes Project 0.00080; ExAC 0.00103; gnomAD 0.00105 and 0.00113; gnomAD exomes 0.00106 and 0.00207; ESP Exome Variant Server 0.00108; TOPMed 0.00159.
gnomAD v4.1: 3,196 of 1,613,866 alleles (0.2%); highest among the groups gnomAD compares: Non-Finnish European, 0.24%; 8 homozygotes.

Submissions (4):

CeGaT Center for Human Genetics Tuebingen
Classification: Likely benign. Last evaluated: 2026-09-01. Review status: criteria provided, single submitter. Criteria: CeGaT Center For Human Genetics Tuebingen Variant Classification Criteria Version 2. Collection method: clinical testing. Allele origin: germline. Affected: yes. Observed: 6 variant alleles.
Comment: KDM3B: BP4, BP7

Blueprint Genetics
Classification: Likely benign. Last evaluated: 2024-11-26. Review status: criteria provided, single submitter. Criteria: ACMG Guidelines, 2015. Collection method: clinical testing. Allele origin: germline.

Labcorp Genetics (formerly Invitae), Labcorp
Classification: Likely benign. Last evaluated: 2018-09-20. Review status: criteria provided, single submitter. Criteria: Invitae Variant Classification Sherloc (09022015). Collection method: clinical testing. Allele origin: germline.

PreventionGenetics, part of Exact Sciences
Classification: Likely benign for KDM3B-related condition. Last evaluated: 2020-01-10. Review status: no assertion criteria provided. Collection method: clinical testing. Allele origin: germline. Not counted in ClinVar's aggregate classification.
Comment: This variant is classified as likely benign based on ACMG/AMP sequence variant interpretation guidelines (Richards et al. 2015 PMID: 25741868, with internal and published modifications).

NM_016604.4(KDM3B):c.2430G>A (p.Ser810=)

Gene: KDM3B (lysine demethylase 3B; plus strand). Cytogenetic location: 5q31.2.
Variant type: single nucleotide variant.
Coding change: c.2430G>A on transcript NM_016604.4 (MANE Select); coding-DNA position 2430, G replaced by A.
Protein change: p.Ser810=; no amino-acid change (serine 810 retained).
Molecular consequence: synonymous variant.
Genome position (GRCh38, 1-based): chr5:138,392,062, G>A. VCF-style: chr5-138392062-G-A. GRCh37 (hg19) VCF-style: chr5-137727751-G-A.
Identifiers: ClinVar variation 784629 (VCV000784629.29), dbSNP rs144273490, ClinGen allele CA3429054.